The following is an entry in ClinVar:

NM_001364905.1(LRBA):c.2240T>A (p.Leu747Ter)

Gene: LRBA (LPS responsive beige-like anchor protein; minus strand). Cytogenetic location: 4q31.3.
Variant type: single nucleotide variant.
Coding change: c.2240T>A on transcript NM_001364905.1 (MANE Select); coding-DNA position 2240, T replaced by A.
Protein change: p.Leu747Ter; replaces leucine 747 with a stop codon.
Molecular consequence: nonsense.
Genome position (GRCh38, 1-based): chr4:150,872,681, A>T on the plus strand (T>A on the coding strand, the complement: LRBA is on the minus strand). VCF-style: chr4-150872681-A-T. GRCh37 (hg19) VCF-style: chr4-151793833-A-T.
Other names: c.2240T>A, p.Leu747Ter (NM_001199282.3, NM_001367550.1, NM_006726.5); short protein forms L747*.
Identifiers: ClinVar variation 2727640 (VCV002727640.3), dbSNP rs144451686, ClinGen allele CA3103326.

ClinVar aggregate classification (germline): Pathogenic (1 of 4 stars; one submission).

Conditions:
Combined immunodeficiency due to LRBA deficiency. Also called: Common variable immunodeficiency 8, with autoimmunity. Identifiers: Orphanet 445018, MedGen C3553512, MONDO:0013863, OMIM 614700.

Allele frequency attached by ClinVar (database versions not stated): gnomAD exomes below 0.00001; gnomAD 0.00001; ESP Exome Variant Server 0.00008; ExAC 0.00001.
gnomAD v4.1: 2 of 1,608,850 alleles (0.00012%); highest among the groups gnomAD compares: Non-Finnish European, 0.00017%; no homozygotes.

Submission:

Labcorp Genetics (formerly Invitae), Labcorp
Classification: Pathogenic for Combined immunodeficiency due to LRBA deficiency. Last evaluated: 2025-04-11. Review status: criteria provided, single submitter. Criteria: Invitae Variant Classification Sherloc (09022015). Collection method: clinical testing. Allele origin: germline.
Comment: This sequence change creates a premature translational stop signal (p.Leu747*) in the LRBA gene. It is expected to result in an absent or disrupted protein product. Loss-of-function variants in LRBA are known to be pathogenic (PMID: 26206937, 26768763). This variant is present in population databases (rs144451686, gnomAD 0.0009%). This variant has not been reported in the literature in individuals affected with LRBA-related conditions. ClinVar contains an entry for this variant (Variation ID: 2727640). For these reasons, this variant has been classified as Pathogenic.

Literature cited by the submitters: PubMed 26206937; PubMed 26768763.